The following is an entry in ClinVar:

NM_000264.5(PTCH1):c.2632G>C (p.Asp878His)

Gene: PTCH1 (patched 1; minus strand). Cytogenetic location: 9q22.32.
Variant type: single nucleotide variant.
Coding change: c.2632G>C on transcript NM_000264.5 (MANE Select); coding-DNA position 2632, G replaced by C.
Protein change: p.Asp878His; replaces aspartic acid 878 with histidine.
Molecular consequence: missense variant. On other transcripts: non-coding transcript variant (1).
Genome position (GRCh38, 1-based): chr9:95,461,927, C>G on the plus strand (G>C on the coding strand, the complement: PTCH1 is on the minus strand). VCF-style: chr9-95461927-C-G. GRCh37 (hg19) VCF-style: chr9-98224209-C-G.
Other names: c.2179G>C, p.Asp727His (NM_001083605.3, NM_001083606.3, NM_001083607.3 and 1 more transcripts); c.2476G>C, p.Asp826His (NM_001354918.2); c.2434G>C, p.Asp812His (NM_001083602.3); c.2629G>C, p.Asp877His (NM_001083603.3); short protein forms D727H, D812H, D826H, D877H, D878H.
Identifiers: ClinVar variation 4801799 (VCV004801799.1).

ClinVar aggregate classification (germline): Uncertain significance (1 of 4 stars; one submission).

Conditions:
Gorlin syndrome. Also called: Nevoid Basal Cell Carcinoma Syndrome; Basal cell nevus syndrome. Identifiers: Orphanet 377, MedGen C0004779, MONDO:0007187.

Submission:

Labcorp Genetics (formerly Invitae), Labcorp
Classification: Uncertain significance for Gorlin syndrome. Last evaluated: 2025-05-28. Review status: criteria provided, single submitter. Criteria: Invitae Variant Classification Sherloc (09022015). Collection method: clinical testing. Allele origin: germline.
Comment: This sequence change replaces aspartic acid, which is acidic and polar, with histidine, which is basic and polar, at codon 878 of the PTCH1 protein (p.Asp878His). This variant is not present in population databases (gnomAD no frequency). This variant has not been reported in the literature in individuals affected with PTCH1-related conditions. Invitae Evidence Modeling of protein sequence and biophysical properties (such as structural, functional, and spatial information, amino acid conservation, physicochemical variation, residue mobility, and thermodynamic stability) has been performed for this missense variant. However, the output from this modeling did not meet the statistical confidence thresholds required to predict the impact of this variant on PTCH1 protein function. In summary, the available evidence is currently insufficient to determine the role of this variant in disease. Therefore, it has been classified as a Variant of Uncertain Significance.